The following is an entry in ClinVar:

ClinVar aggregate classification (germline): Uncertain significance (1 of 4 stars; one submission).

Conditions:
Townes-Brocks syndrome 1 (TBS1). Also called: DEAFNESS, SENSORINEURAL, WITH IMPERFORATE ANUS AND THUMB ANOMALIES; SALL1-Related Townes-Brocks Syndrome; REAR SYNDROME; RENAL-EAR-ANAL-RADIAL SYNDROME. Identifiers: Orphanet 857, MedGen C4551481, MONDO:0054581, OMIM 107480.

Submission:

Institute of Human Genetics, FAU Erlangen, Friedrich-Alexander-Universität Erlangen-Nürnberg
Classification: Uncertain significance for Townes-Brocks syndrome 1. Last evaluated: 2023-03-06. Review status: criteria provided, single submitter. Criteria: Hauer et al. (Genet Med. 2018). Collection method: clinical testing. Allele origin: germline. Inheritance: Unknown mechanism. Affected: yes. Observed: 1 variant allele.
Comment: This variant has been identified by standard clinical testing.

NM_002968.3(SALL1):c.2605C>G (p.Gln869Glu)

Gene: SALL1 (spalt like transcription factor 1; minus strand). Cytogenetic location: 16q12.1.
Variant type: single nucleotide variant.
Coding change: c.2605C>G on transcript NM_002968.3 (MANE Select); coding-DNA position 2605, C replaced by G.
Protein change: p.Gln869Glu; replaces glutamine 869 with glutamic acid.
Molecular consequence: missense variant.
Genome position (GRCh38, 1-based): chr16:51,139,617, G>C on the plus strand (C>G on the coding strand, the complement: SALL1 is on the minus strand). VCF-style: chr16-51139617-G-C. GRCh37 (hg19) VCF-style: chr16-51173528-G-C.
Other names: c.2314C>G, p.Gln772Glu (NM_001127892.2); short protein forms Q772E, Q869E.
Identifiers: ClinVar variation 2442250 (VCV002442250.1), dbSNP rs2506486062, ClinGen allele CA395884340.